The following is an entry in ClinVar:

NM_005612.5(REST):c.294T>A (p.Asp98Glu)

Gene: REST (RE1 silencing transcription factor; plus strand). Cytogenetic location: 4q12.
Variant type: single nucleotide variant.
Coding change: c.294T>A on transcript NM_005612.5 (MANE Select); coding-DNA position 294, T replaced by A.
Protein change: p.Asp98Glu; replaces aspartic acid 98 with glutamic acid.
Molecular consequence: missense variant.
Genome position (GRCh38, 1-based): chr4:56,910,932, T>A. VCF-style: chr4-56910932-T-A. GRCh37 (hg19) VCF-style: chr4-57777098-T-A.
Other names: c.294T>A, p.Asp98Glu (NM_001193508.2, NM_001363453.3); short protein forms D98E.
Identifiers: ClinVar variation 1625918 (VCV001625918.10), dbSNP rs139840343, ClinGen allele CA2932070.

ClinVar aggregate classification (germline): Benign. Review status: criteria provided, multiple submitters, no conflicts (2 of 4 stars). 2 submissions from 2 submitters: Benign (2). Last evaluated 2026-07-01.

Allele frequency attached by ClinVar (database versions not stated): gnomAD 0.00006 and 0.00052; ESP Exome Variant Server 0.00008; TOPMed 0.00015; gnomAD exomes 0.00086 and 0.00179; ExAC 0.00188; 1000 Genomes Project 30x 0.00297; 1000 Genomes Project 0.00319.

Submissions (2):

CeGaT Center for Human Genetics Tuebingen
Classification: Benign. Last evaluated: 2026-07-01. Review status: criteria provided, single submitter. Criteria: CeGaT Center For Human Genetics Tuebingen Variant Classification Criteria Version 2. Collection method: clinical testing. Allele origin: germline. Affected: yes. Observed: 2 variant alleles.
Comment: REST: BP4, BS1, BS2

Labcorp Genetics (formerly Invitae), Labcorp
Classification: Benign. Last evaluated: 2025-11-16. Review status: criteria provided, single submitter. Criteria: Invitae Variant Classification Sherloc (09022015). Collection method: clinical testing. Allele origin: germline.